The following is an entry in ClinVar:

NM_000152.5(GAA):c.1978C>T (p.Arg660Cys)

Gene: GAA (alpha glucosidase; plus strand). Cytogenetic location: 17q25.3.
Variant type: single nucleotide variant.
Coding change: c.1978C>T on transcript NM_000152.5 (MANE Select); coding-DNA position 1978, C replaced by T.
Protein change: p.Arg660Cys; replaces arginine 660 with cysteine.
Molecular consequence: missense variant.
Genome position (GRCh38, 1-based): chr17:80,112,965, C>T. VCF-style: chr17-80112965-C-T. GRCh37 (hg19) VCF-style: chr17-78086764-C-T.
Other names: NM_000152.5(GAA):c.1978C>T; c.1978C>T, p.Arg660Cys (NM_001079803.3, NM_001079804.3); c.1978C>T (LRG_673t1); short protein forms R660C.
Identifiers: ClinVar variation 558604 (VCV000558604.32), dbSNP rs759518659, ClinGen allele CA8815561.

ClinVar aggregate classification (germline): Pathogenic. Review status: reviewed by expert panel (3 of 4 stars). 10 submissions from 10 submitters: Pathogenic (1). 9 of the submissions do not count toward it. Last evaluated 2022-03-01.

Conditions:
GAA-related disorder. Also called: GAA-related condition.
Glycogen storage disease, type II (IOPD). Also called: POMPE DISEASE, INFANTILE-ONSET; GLYCOGEN STORAGE DISEASE II, INFANTILE-ONSET; ACID ALPHA-GLUCOSIDASE DEFICIENCY, INFANTILE-ONSET; GAA DEFICIENCY, INFANTILE-ONSET; ACID MALTASE DEFICIENCY, INFANTILE-ONSET; CARDIOMEGALIA GLYCOGENICA DIFFUSA. Identifiers: Orphanet 365, MedGen C0017921, MONDO:0009290, OMIM 232300.

Allele frequency attached by ClinVar (database versions not stated): gnomAD exomes below 0.00001; TOPMed below 0.00001; ExAC 0.00001.

Submissions 1 to 7 of 10:

ClinGen Lysosomal Storage Disorder Variant Curation Expert Panel
Classification: Pathogenic for Glycogen storage disease, type II. Last evaluated: 2022-03-01. Review status: reviewed by expert panel. Criteria: clingen_lsd_acmg_specifications_v2-1. Collection method: curation. Allele origin: germline. Inheritance: Autosomal recessive inheritance.
Comment: The NM_000152.5:c.1978C>T variant in GAA is a missense variant predicted to cause substitution of arginine by cysteine at amino acid 660 (p.Arg660Cys). At least 6 patients with clinical features consistent with Pompe disease have been reported with this variant; three with documented laboratory data showing deficiency of GAA in dried blood spot, or lymphocytes and muscle (PMID: 17056254, 31193175, clinical laboratory data), and two reported to have deficient GAA activity and to be on enzyme replacement therapy on enzyme replacement therapy (PMID: 25626711, 29122469, 31904026) (PP4_Moderate). Three of these patients are compound heterozygous, phase unknown, for the variant and a variant classified as pathogenic by the ClinGen LSD VCEP, either c.784G>A (p.Glu262Lys) (PMID 31193175), c.1082C>T (p.Pro361Leu) (clinical laboratory data), or c.546G>T (PMID: 29124014) and another patient is homozygous (PMID: 25626711) (PM3_Strong). An additional two patients are compound heterozygous for the variant and [c.1477C>T; c.2221G>A] ([p.Pro493Ser; p.Asp741Asn)] (PMID: 29122469, 31904026), or c.1397T>G (p.Val466Gly) (PMID: 17056254). The allelic data from the latter 2 patients will be used in the classification of the second variant and is not included here to avoid circular logic. The highest population minor allele frequency in gnomAD v2.1.1 is 0.00006 (1/18006 alleles) in the East Asian population, which is lower than the ClinGen LSD VCEP’s threshold for PM2_Supporting (<0.001), meeting this criterion (PM2_Supporting). When expressed in COS cells, the variant results in <2% normal GAA activity (PMID 19862843) (PS3_Supporting). The computational predictor REVEL gives a score of 0.966 which is above the threshold of 0.7, evidence that correlates with impact to GAA function (PP3). Another variant at this amino acid position, c.1979G>A (p.Arg660His) has been classified as pathogenic by the ClinGen LSD VCEP (PM5). There is a ClinVar entry for this variant (Variation ID: 558604; 2 star review status) with four submitters classifying the variant as pathogenic, and two as likely pathogenic. In summary, this variant meets the criteria to be classified as Pathogenic for Pompe disease. GAA-specific ACMG/AMP criteria met, based on the specifications of the ClinGen LSD VCEP (Specifications Version 2.0): PM5, PM3_Strong, PP4_Moderate, PS3_Supporting, PM2_Supporting. (Approved by LSD VCEP on Feb 15, 2022).

CeGaT Center for Human Genetics Tuebingen
Classification: Likely pathogenic. Last evaluated: 2026-08-01. Review status: criteria provided, single submitter. Criteria: CeGaT Center For Human Genetics Tuebingen Variant Classification Criteria Version 2. Collection method: clinical testing. Allele origin: germline. Affected: yes. Observed: 3 variant alleles. Not counted in ClinVar's aggregate classification.
Comment: GAA: PM2, PM3, PM5, PP3

Genomenon, Inc
Classification: Likely pathogenic for Glycogen storage disease, type II. Last evaluated: 2026-07-01. Review status: criteria provided, single submitter. Criteria: Genomenon Sequence Variant Interpretation Standards - Updated. Collection method: curation. Allele origin: germline. Affected: yes. Not counted in ClinVar's aggregate classification.
Comment: GAA p.Arg660Cys (c.1978C>T) is a missense variant that changes the amino acid at codon 660 from Arginine to Cysteine. This variant has been observed in at least one proband with a GAA-related disorder in the compound heterozygous and/or homozygous state (PMID:35705384;32518148;31439017;31193175;29124014;17056254;25626711). At least one functional study has demonstrated a substantial alteration in protein function relative to the wild-type (PMID:19862843). It is absent or not present at a significant frequency in gnomAD. In silico models predict that this variant is possibly or probably damaging. In conclusion, we classify GAA p.Arg660Cys (c.1978C>T) as a likely pathogenic variant.

Labcorp Genetics (formerly Invitae), Labcorp
Classification: Pathogenic for Glycogen storage disease, type II. Last evaluated: 2025-12-08. Review status: criteria provided, single submitter. Criteria: Invitae Variant Classification Sherloc (09022015). Collection method: clinical testing. Allele origin: germline. Not counted in ClinVar's aggregate classification.
Comment: This sequence change replaces arginine, which is basic and polar, with cysteine, which is neutral and slightly polar, at codon 660 of the GAA protein (p.Arg660Cys). The frequency data for this variant in the population databases is considered unreliable, as metrics indicate poor data quality at this position in the gnomAD database. This missense change has been observed in individual(s) with Pompe disease (PMID: 17056254, 29122469, 29124014, 31439017). ClinVar contains an entry for this variant (Variation ID: 558604). Invitae Evidence Modeling of protein sequence and biophysical properties (such as structural, functional, and spatial information, amino acid conservation, physicochemical variation, residue mobility, and thermodynamic stability) indicates that this missense variant is expected to disrupt GAA protein function with a positive predictive value of 95%. Experimental studies have shown that this missense change affects GAA function (PMID: 19862843). This variant disrupts the p.Arg660 amino acid residue in GAA. Other variant(s) that disrupt this residue have been determined to be pathogenic (PMID: 14643388, 20472203, 21484825, 22521436, 22555271, 27649523). This suggests that this residue is clinically significant, and that variants that disrupt this residue are likely to be disease-causing. For these reasons, this variant has been classified as Pathogenic.

AiLife Diagnostics
Classification: Pathogenic. Last evaluated: 2022-02-10. Review status: criteria provided, single submitter. Criteria: ACMG Guidelines, 2015. Collection method: clinical testing. Allele origin: germline. Affected: yes. Observed: 1 variant allele. Not counted in ClinVar's aggregate classification.

Mayo Clinic Laboratories, Mayo Clinic
Classification: Pathogenic. Last evaluated: 2020-05-19. Review status: criteria provided, single submitter. Criteria: ACMG Guidelines, 2015. Collection method: clinical testing. Allele origin: germline. Observed: 1 variant allele. Not counted in ClinVar's aggregate classification.
Comment: PS3, PM2, PM5, PS4_M, PP3, PP4

Broad Center for Mendelian Genomics, Broad Institute of MIT and Harvard
Classification: Pathogenic for Glycogen storage disease, type II. Last evaluated: 2020-01-14. Review status: criteria provided, single submitter. Criteria: ACMG Guidelines, 2015. Collection method: curation. Allele origin: germline. Inheritance: Autosomal recessive inheritance. Not counted in ClinVar's aggregate classification.
Comment: The p.Arg660Cys variant in GAA has been reported in three individuals with glycogen storage disease II (PMID: 29122469, 29124014, 17056254) and has been identified in 0.006% (1/18006) of East Asian chromosomes by the by the Genome Aggregation Database (gnomAD; dbSNP rs759518659). Although this variant has been seen in the general population, its frequency is low enough to be consistent with a recessive carrier frequency. This variant has also been reported on ClinVar as Likely Pathogenic by Counsyl and Pathogenic by Integrated Genetics (VariationID: 558604). In vitro functional studies using COS-7 cells transfected with the variant provide some evidence that the p.Arg660Cys variant may impact protein function (PMID: 19862843). However, these types of assays may not accurately represent biological function. Computational prediction tools and conservation analyses suggest that this variant may impact the protein, though this information is not predictive enough to determine pathogenicity. One additional pathogenic variant, resulting in a different amino acid change at the same position, p.Arg660His, has been reported in association with disease in the literature and ClinVar, supporting that a change at this position may not be tolerated (PMID: 14643388, 19862843, 22658377, 20638881, 20472203, 21484825; Variation ID: 189172). Additionally, this variant has been reported in combination with likely pathogenic variant p.Val466Gly and in an individual with glycogen storage disease II (PMID: 17056254). The phenotype of individuals heterozygous for this variant is highly specific for glycogen storage disease II based on reduced GAA activity in lymphocytes and muscle tissue from affected individuals (PMID: 17056254, 29124014). In summary, this variant meets criteria to be classified as pathogenic for glycogen storage disease II in an autosomal recessive manner based on in vitro studies demonstrating an impact on protein function and low frequency in the general population. ACMG/AMP Criteria applied: PS3, PM2, PM5, PP3, PP4 (Richards 2015).